The following is an entry in ClinVar:

ClinVar aggregate classification (germline): Uncertain significance. Review status: criteria provided, multiple submitters, no conflicts (2 of 4 stars). 3 submissions from 3 submitters: Uncertain significance (3). Last evaluated 2025-12-10.

Conditions:
Oligodontia-cancer predisposition syndrome. Also called: TOOTH AGENESIS-COLORECTAL CANCER SYNDROME. Identifiers: Orphanet 300576, MedGen C1837750, MONDO:0012075, OMIM 608615. Disease mechanism: loss of function.
Hereditary cancer-predisposing syndrome. Also called: Neoplastic Syndromes, Hereditary; Tumor predisposition; Hereditary Cancer Syndrome; Hereditary neoplastic syndrome. Identifiers: Orphanet 140162, MedGen C0027672, MeSH D009386, MONDO:0015356.

Allele frequency attached by ClinVar (database versions not stated): gnomAD 0.00001; gnomAD exomes 0.00001; TOPMed 0.00001.
gnomAD v4.1: 13 of 1,614,100 alleles (0.00081%); highest among the groups gnomAD compares: South Asian, 0.0011%; no homozygotes.

Submissions (3):

Labcorp Genetics (formerly Invitae), Labcorp
Classification: Uncertain significance for Oligodontia-cancer predisposition syndrome. Last evaluated: 2025-12-10. Review status: criteria provided, single submitter. Criteria: Invitae Variant Classification Sherloc (09022015). Collection method: clinical testing. Allele origin: germline.
Comment: This sequence change replaces proline, which is neutral and non-polar, with serine, which is neutral and polar, at codon 750 of the AXIN2 protein (p.Pro750Ser). This variant is present in population databases (no rsID available, gnomAD 0.007%). This variant has not been reported in the literature in individuals affected with AXIN2-related conditions. ClinVar contains an entry for this variant (Variation ID: 652604). An algorithm developed to predict the effect of missense changes on protein structure and function (PolyPhen-2) suggests that this variant is likely to be tolerated. In summary, the available evidence is currently insufficient to determine the role of this variant in disease. Therefore, it has been classified as a Variant of Uncertain Significance.

Ambry Genetics
Classification: Uncertain significance for Hereditary cancer-predisposing syndrome. Last evaluated: 2024-09-30. Review status: criteria provided, single submitter. Criteria: Ambry Variant Classification Scheme 2023. Collection method: clinical testing. Allele origin: germline.
Comment: The p.P750S variant (also known as c.2248C>T), located in coding exon 9 of the AXIN2 gene, results from a C to T substitution at nucleotide position 2248. The proline at codon 750 is replaced by serine, an amino acid with similar properties. This amino acid position is well conserved in available vertebrate species. In addition, this alteration is predicted to be tolerated by in silico analysis. Since supporting evidence is limited at this time, the clinical significance of this alteration remains unclear.

GeneDx
Classification: Uncertain significance. Last evaluated: 2022-03-30. Review status: criteria provided, single submitter. Criteria: GeneDx Variant Classification Process June 2021. Collection method: clinical testing. Allele origin: germline. Affected: yes.
Comment: Not observed in large population cohorts (gnomAD); In silico analysis supports that this missense variant does not alter protein structure/function; Has not been previously published as pathogenic or benign to our knowledge

NM_004655.4(AXIN2):c.2248C>T (p.Pro750Ser)

Gene: AXIN2 (axin 2; minus strand). Cytogenetic location: 17q24.1.
Variant type: single nucleotide variant.
Coding change: c.2248C>T on transcript NM_004655.4 (MANE Select); coding-DNA position 2248, C replaced by T.
Protein change: p.Pro750Ser; replaces proline 750 with serine.
Molecular consequence: missense variant.
Genome position (GRCh38, 1-based): chr17:65,534,069, G>A on the plus strand (C>T on the coding strand, the complement: AXIN2 is on the minus strand). VCF-style: chr17-65534069-G-A. GRCh37 (hg19) VCF-style: chr17-63530187-G-A.
Other names: c.2248C>T (LRG_296t1); c.2053C>T, p.Pro685Ser (NM_001363813.1); short protein forms P750S, P685S.
Identifiers: ClinVar variation 652604 (VCV000652604.16), dbSNP rs1236306797, ClinGen allele CA400675655.